The following is an entry in ClinVar:

ClinVar aggregate classification (germline): Likely pathogenic (1 of 4 stars; one submission).

Conditions:
Ellis-van Creveld syndrome (EVC). Also called: EVC-Related Ellis-van Creveld Syndrome; EVC2-Related Ellis-van Creveld Syndrome; MESOECTODERMAL DYSPLASIA; Chondroectodermal dysplasia. Identifiers: Orphanet 289, MedGen C0013903, MONDO:0009162, OMIM 225500.

Submission:

Myriad Genetics, Inc.
Classification: Likely pathogenic for Ellis-van Creveld syndrome. Last evaluated: 2022-05-15. Review status: criteria provided, single submitter. Criteria: Myriad Women's Health Autosomal Recessive and X-Linked Classification Criteria (2021). Collection method: clinical testing. Allele origin: unknown.
Comment: NM_153717.2(EVC):c.2041G>T(E681*) is expected to be pathogenic in the context of EVC-related Ellis-van Creveld syndrome. This variant is predicted to lead to an abnormal or absent protein product due to the creation of a premature termination codon in EVC, a gene where loss-of-function variants are known to be pathogenic. Please note: this variant was assessed in the context of healthy population screening.

NM_153717.3(EVC):c.2041G>T (p.Glu681Ter)

Gene: EVC (EvC ciliary complex subunit 1; plus strand). Cytogenetic location: 4p16.2.
Variant type: single nucleotide variant.
Coding change: c.2041G>T on transcript NM_153717.3 (MANE Select); coding-DNA position 2041, G replaced by T.
Protein change: p.Glu681Ter; replaces glutamic acid 681 with a stop codon.
Molecular consequence: nonsense.
Genome position (GRCh38, 1-based): chr4:5,797,176, G>T. VCF-style: chr4-5797176-G-T. GRCh37 (hg19) VCF-style: chr4-5798903-G-T.
Other names: c.2041G>T, p.Glu681Ter (NM_001306090.2); short protein forms E681*.
Identifiers: ClinVar variation 1726064 (VCV001726064.2), dbSNP rs201877358, ClinGen allele CA356143978.